The following is an entry in ClinVar:

NM_173551.5(ANKS6):c.934G>C (p.Ala312Pro)

Gene: ANKS6 (ankyrin repeat and sterile alpha motif domain containing 6; minus strand). Cytogenetic location: 9q22.33.
Variant type: single nucleotide variant.
Coding change: c.934G>C on transcript NM_173551.5 (MANE Select); coding-DNA position 934, G replaced by C.
Protein change: p.Ala312Pro; replaces alanine 312 with proline.
Molecular consequence: missense variant.
Genome position (GRCh38, 1-based): chr9:98,784,131, C>G on the plus strand (G>C on the coding strand, the complement: ANKS6 is on the minus strand). VCF-style: chr9-98784131-C-G. GRCh37 (hg19) VCF-style: chr9-101546413-C-G.
Other names: short protein forms A312P.
Identifiers: ClinVar variation 996117 (VCV000996117.3), dbSNP rs1834431706, ClinGen allele CA374217404.

ClinVar aggregate classification (germline): Likely pathogenic (1 of 4 stars; one submission).

Conditions:
Nephronophthisis 16 (NPHP16). Identifiers: Orphanet 655, MedGen C3809320, MONDO:0014158, OMIM 615382.

Submission:

Institute of Human Genetics, University of Leipzig Medical Center
Classification: Likely pathogenic for Nephronophthisis 16. Last evaluated: 2021-02-02. Review status: criteria provided, single submitter. Criteria: ACMG Guidelines, 2015. Collection method: clinical testing. Allele origin: maternal. Affected: no.
Comment: This missense variant was identified in cis with another missense change and the allele designated as c.[934G>C; 938A>C], p.[(Ala312Pro);(Asp313Ala)]. The variant was inherited maternally in two affected sibling. It was classified as Likely pathogenic based on PM1_Supporting, PM2_Supporting, PM3_Strong, PP1_Supporting, PP3_Supporting.